The following is an entry in ClinVar:

NM_018838.5(NDUFA12):c.281C>A (p.Thr94Asn)

Gene: NDUFA12 (NADH:ubiquinone oxidoreductase subunit A12; minus strand). Cytogenetic location: 12q22.
Variant type: single nucleotide variant.
Coding change: c.281C>A on transcript NM_018838.5 (MANE Select); coding-DNA position 281, C replaced by A.
Protein change: p.Thr94Asn; replaces threonine 94 with asparagine.
Molecular consequence: missense variant. On other transcripts: 3 prime UTR variant (1).
Genome position (GRCh38, 1-based): chr12:94,971,597, G>T on the plus strand (C>A on the coding strand, the complement: NDUFA12 is on the minus strand). VCF-style: chr12-94971597-G-T. GRCh37 (hg19) VCF-style: chr12-95365373-G-T.
Other names: c.*1C>A (NM_001258338.2); short protein forms T94N.
Identifiers: ClinVar variation 1431156 (VCV001431156.6), dbSNP rs138525905, ClinGen allele CA6722517.
Genomic context (GRCh38, chr12:94,971,597, plus strand): 5'-TTATGGTTCGTCCAAATGAATTTACGAGCAGTAAGTGGTTTTGTTGTTGGAGGATCATCA[G>T]TCATACTGTGAAGCCAACGATGCCTTAAAGAGGGGAAAAAACCCAAACAGTTATGAAGAG-3'
Protein context (NP_061326.1, residues 84-104): PEWHRWLHSM[Thr94Asn]DDPPTTKPLT

ClinVar aggregate classification (germline): Uncertain significance (1 of 4 stars; one submission).

Allele frequency attached by ClinVar (database versions not stated): gnomAD exomes 0.00002 and 0.00003; ExAC 0.00003; gnomAD 0.00006 and 0.00007; TOPMed 0.00006; ESP Exome Variant Server 0.00008; 1000 Genomes Project 0.00040; 1000 Genomes Project 30x 0.00062.
gnomAD v4.1: 46 of 1,614,138 alleles (0.0028%); highest among the groups gnomAD compares: African/African-American, 0.021%; no homozygotes.

Submission:

Labcorp Genetics (formerly Invitae), Labcorp
Classification: Uncertain significance. Last evaluated: 2023-12-11. Review status: criteria provided, single submitter. Criteria: Invitae Variant Classification Sherloc (09022015). Collection method: clinical testing. Allele origin: germline.
Comment: This sequence change replaces threonine, which is neutral and polar, with asparagine, which is neutral and polar, at codon 94 of the NDUFA12 protein (p.Thr94Asn). This variant is present in population databases (rs138525905, gnomAD 0.02%). This variant has not been reported in the literature in individuals affected with NDUFA12-related conditions. ClinVar contains an entry for this variant (Variation ID: 1431156). An algorithm developed to predict the effect of missense changes on protein structure and function (PolyPhen-2) suggests that this variant is likely to be disruptive. In summary, the available evidence is currently insufficient to determine the role of this variant in disease. Therefore, it has been classified as a Variant of Uncertain Significance.